The following is an entry in ClinVar:

NM_005120.3(MED12):c.6137C>G (p.Ala2046Gly)

Gene: MED12 (mediator complex subunit 12; plus strand). Cytogenetic location: Xq13.1.
Variant type: single nucleotide variant.
Coding change: c.6137C>G on transcript NM_005120.3 (MANE Select); coding-DNA position 6137, C replaced by G.
Protein change: p.Ala2046Gly; replaces alanine 2046 with glycine.
Molecular consequence: missense variant.
Genome position (GRCh38, 1-based): chrX:71,140,727, C>G. VCF-style: chrX-71140727-C-G. GRCh37 (hg19) VCF-style: chrX-70360577-C-G.
Other names: short protein forms A2046G.
Identifiers: ClinVar variation 2016408 (VCV002016408.4), dbSNP rs2092344871, ClinGen allele CA413539892.

ClinVar aggregate classification (germline): Uncertain significance (1 of 4 stars; one submission).

Conditions:
FG syndrome (FGS). Identifiers: MedGen C0220769, MONDO:0002010.

Allele frequency attached by ClinVar (database versions not stated): gnomAD 0.00001.
gnomAD v4.1: 1 of 1,207,049 alleles (0.000083%); highest among the groups gnomAD compares: African/African-American, 0.0018%; no homozygotes.

Submission:

Labcorp Genetics (formerly Invitae), Labcorp
Classification: Uncertain significance for FG syndrome. Last evaluated: 2022-07-13. Review status: criteria provided, single submitter. Criteria: Invitae Variant Classification Sherloc (09022015). Collection method: clinical testing. Allele origin: germline.
Comment: This sequence change replaces alanine, which is neutral and non-polar, with glycine, which is neutral and non-polar, at codon 2046 of the MED12 protein (p.Ala2046Gly). In summary, the available evidence is currently insufficient to determine the role of this variant in disease. Therefore, it has been classified as a Variant of Uncertain Significance. Advanced modeling of protein sequence and biophysical properties (such as structural, functional, and spatial information, amino acid conservation, physicochemical variation, residue mobility, and thermodynamic stability) performed at Invitae indicates that this missense variant is not expected to disrupt MED12 protein function. This variant has not been reported in the literature in individuals affected with MED12-related conditions. This variant is not present in population databases (gnomAD no frequency).